The following is an entry in ClinVar:

ClinVar aggregate classification (germline): Uncertain significance. Review status: criteria provided, multiple submitters, no conflicts (2 of 4 stars). 2 submissions from 2 submitters: Uncertain significance (2). Last evaluated 2025-03-31.

Conditions:
Inborn genetic diseases. Identifiers: MedGen C0950123, MeSH D030342.

gnomAD v4.1: 2 of 1,612,706 alleles (0.00012%); highest among the groups gnomAD compares: East Asian, 0.0045%; no homozygotes.

Submissions (2):

Ambry Genetics
Classification: Uncertain significance for Inborn genetic diseases. Last evaluated: 2025-03-31. Review status: criteria provided, single submitter. Criteria: Ambry Variant Classification Scheme 2023. Collection method: clinical testing. Allele origin: germline.

GeneDx
Classification: Uncertain significance. Last evaluated: 2024-05-23. Review status: criteria provided, single submitter. Criteria: GeneDx Variant Classification Process June 2021. Collection method: clinical testing. Allele origin: germline. Affected: yes.
Comment: Not observed at significant frequency in large population cohorts (gnomAD); In silico analysis supports that this missense variant has a deleterious effect on protein structure/function; Has not been previously published as pathogenic or benign to our knowledge

NM_001136035.4(TRMT1):c.1388T>G (p.Leu463Arg)

Gene: TRMT1 (tRNA methyltransferase 1; minus strand). Cytogenetic location: 19p13.13.
Variant type: single nucleotide variant.
Coding change: c.1388T>G on transcript NM_001136035.4 (MANE Select); coding-DNA position 1388, T replaced by G.
Protein change: p.Leu463Arg; replaces leucine 463 with arginine.
Molecular consequence: missense variant.
Genome position (GRCh38, 1-based): chr19:13,109,390, A>C on the plus strand (T>G on the coding strand, the complement: TRMT1 is on the minus strand). VCF-style: chr19-13109390-A-C. GRCh37 (hg19) VCF-style: chr19-13220204-A-C.
Other names: c.1301T>G, p.Leu434Arg (NM_001142554.3, NM_001351760.2); c.1280T>G, p.Leu427Arg (NM_001351761.2); c.605T>G, p.Leu202Arg (NM_001351762.2); c.1388T>G, p.Leu463Arg (NM_017722.5); c.1388T>G (NM_017722.3); short protein forms L202R, L427R, L434R, L463R.
Identifiers: ClinVar variation 3381656 (VCV003381656.2).